The following is an entry in ClinVar:

ClinVar aggregate classification (germline): Uncertain significance. Review status: criteria provided, multiple submitters, no conflicts (2 of 4 stars). 2 submissions from 2 submitters: Uncertain significance (2). Last evaluated 2025-10-20.

Conditions:
Combined immunodeficiency due to STIM1 deficiency. Also called: STIM1 DEFICIENCY; IMMUNODEFICIENCY 10. Identifiers: Orphanet 169090, Orphanet 317430, MedGen C2748557, MONDO:0013008, OMIM 612783.
Myopathy with tubular aggregates (TAM). Also called: Tubular Aggregate Myopathy. Identifiers: Orphanet 2593, MedGen C0410207, MONDO:0008051.
Stormorken syndrome (STRMK). Also called: THROMBOCYTOPATHY, ASPLENIA, AND MIOSIS. Identifiers: Orphanet 3204, MedGen C1861451, MONDO:0008497, OMIM 185070.

Allele frequency attached by ClinVar (database versions not stated): gnomAD exomes below 0.00001; TOPMed 0.00002.
gnomAD v4.1: 1 of 1,614,220 alleles (0.000062%); highest among the groups gnomAD compares: Non-Finnish European, 0.000085%; no homozygotes.

Submissions (2):

Labcorp Genetics (formerly Invitae), Labcorp
Classification: Uncertain significance for Myopathy with tubular aggregates; Combined immunodeficiency due to STIM1 deficiency; Stormorken syndrome. Last evaluated: 2025-10-20. Review status: criteria provided, single submitter. Criteria: Invitae Variant Classification Sherloc (09022015). Collection method: clinical testing. Allele origin: germline.
Comment: This sequence change replaces alanine, which is neutral and non-polar, with serine, which is neutral and polar, at codon 652 of the STIM1 protein (p.Ala652Ser). This variant is present in population databases (rs201992816, gnomAD 0.0009%). This variant has not been reported in the literature in individuals affected with STIM1-related conditions. ClinVar contains an entry for this variant (Variation ID: 567939). Invitae Evidence Modeling of protein sequence and biophysical properties (such as structural, functional, and spatial information, amino acid conservation, physicochemical variation, residue mobility, and thermodynamic stability) indicates that this missense variant is not expected to disrupt STIM1 protein function with a negative predictive value of 95%. In summary, the available evidence is currently insufficient to determine the role of this variant in disease. Therefore, it has been classified as a Variant of Uncertain Significance.

Blueprint Genetics
Classification: Uncertain significance. Last evaluated: 2022-04-05. Review status: criteria provided, single submitter. Criteria: ACMG Guidelines, 2015. Collection method: clinical testing. Allele origin: germline.

NM_001382567.1(STIM1):c.2047G>T (p.Ala683Ser)

Genes: STIM1 (stromal interaction molecule 1; plus strand), LOC124418421 (Sharpr-MPRA regulatory region 9588; plus strand). Cytogenetic location: 11p15.4.
Variant type: single nucleotide variant.
Coding change: c.2047G>T on transcript NM_001382567.1 (MANE Select); coding-DNA position 2047, G replaced by T.
Protein change: p.Ala683Ser; replaces alanine 683 with serine.
Molecular consequence: missense variant. On other transcripts: 3 prime UTR variant (4), non-coding transcript variant (3).
Genome position (GRCh38, 1-based): chr11:4,091,694, G>T. VCF-style: chr11-4091694-G-T. GRCh37 (hg19) VCF-style: chr11-4112924-G-T.
Other names: c.2272G>T, p.Ala758Ser (NM_001277961.3); c.*368G>T (NM_001277962.2, NM_001382578.1, NM_001382579.1 and 1 more transcripts); c.2050G>T, p.Ala684Ser (NM_001382566.1); c.1975G>T, p.Ala659Ser (NM_001382568.1); c.1819G>T, p.Ala607Ser (NM_001382569.1); c.1726G>T, p.Ala576Ser (NM_001382570.1); c.1474G>T, p.Ala492Ser (NM_001382571.1); c.1732G>T, p.Ala578Ser (NM_001382575.1, NM_001382576.1, NM_001382577.1); and 2 more; short protein forms A652S, A758S, A489S, A492S, A576S, A578S, A607S, A659S.
Identifiers: ClinVar variation 567939 (VCV000567939.12), dbSNP rs201992816, ClinGen allele CA216534273.